The following is an entry in ClinVar:

NM_001164508.2(NEB):c.2529G>A (p.Met843Ile)

Gene: NEB (nebulin; minus strand). Cytogenetic location: 2q23.3.
Variant type: single nucleotide variant.
Coding change: c.2529G>A on transcript NM_001164508.2 (MANE Select); coding-DNA position 2529, G replaced by A.
Protein change: p.Met843Ile; replaces methionine 843 with isoleucine.
Molecular consequence: missense variant.
Genome position (GRCh38, 1-based): chr2:151,687,527, C>T on the plus strand (G>A on the coding strand, the complement: NEB is on the minus strand). VCF-style: chr2-151687527-C-T. GRCh37 (hg19) VCF-style: chr2-152544041-C-T.
Other names: c.2529G>A, p.Met843Ile (NM_001164507.2, NM_001271208.2, NM_004543.5); short protein forms M843I.
Identifiers: ClinVar variation 511885 (VCV000511885.1), dbSNP rs1488992428, ClinGen allele CA348822766.

ClinVar aggregate classification (germline): Likely benign (1 of 4 stars; one submission).

Allele frequency attached by ClinVar (database versions not stated): gnomAD exomes below 0.00001 and 0.00002.
gnomAD v4.1: 24 of 1,613,398 alleles (0.0015%); highest among the groups gnomAD compares: Non-Finnish European, 0.002%; no homozygotes.

Submission:

GeneDx
Classification: Likely benign. Last evaluated: 2017-09-06. Review status: criteria provided, single submitter. Criteria: GeneDx Variant Classification (06012015). Collection method: clinical testing. Allele origin: germline. Affected: yes.
Comment: This variant is considered likely benign or benign based on one or more of the following criteria: it is a conservative change, it occurs at a poorly conserved position in the protein, it is predicted to be benign by multiple in silico algorithms, and/or has population frequency not consistent with disease.